The following is an entry in ClinVar:

NC_000001.10:g.(?_237494158)_(237494302_?)del

Gene: RYR2 (ryanodine receptor 2; plus strand). Cytogenetic location: 1q43.
Variant type: Deletion.
Identifiers: ClinVar variation 3247724 (VCV003247724.1).

ClinVar aggregate classification (germline): Pathogenic (1 of 4 stars; one submission).

Conditions:
Catecholaminergic polymorphic ventricular tachycardia 1. Also called: RYR2-Related Catecholaminergic Polymorphic Ventricular Tachycardia; VENTRICULAR TACHYCARDIA, CATECHOLAMINERGIC POLYMORPHIC, 1, WITH OR WITHOUT ATRIAL DYSFUNCTION AND/OR DILATED CARDIOMYOPATHY; VENTRICULAR TACHYCARDIA, STRESS-INDUCED POLYMORPHIC 1. Identifiers: Orphanet 3286, MedGen C1631597, MONDO:0011484, OMIM 604772.

Submission:

Labcorp Genetics (formerly Invitae), Labcorp
Classification: Pathogenic for Catecholaminergic polymorphic ventricular tachycardia 1. Last evaluated: 2024-01-11. Review status: criteria provided, single submitter. Criteria: Invitae Variant Classification Sherloc (09022015). Collection method: clinical testing. Allele origin: unknown.
Comment: This variant is a gross deletion of the genomic region encompassing exon(s) 3 of the RYR2 gene. This variant would be expected to be in-frame, preserving the integrity of the reading frame. A similar copy number variant has been observed in individuals with noncompaction cardiomyopathy and catecholaminergic polymorphic ventricular tachycardia (PMID: 17875969, 19216760, 19926015, 23479668, 24394973, 25835811, 26018045). Algorithms developed to predict the effect of variants on protein structure and function are not available or were not evaluated for this variant. Experimental studies have shown that a similar copy number variant affects RYR2 function (PMID: 22374134). For these reasons, this variant has been classified as Pathogenic.

Literature cited by the submitters: PubMed 17875969; PubMed 19216760; PubMed 19926015; PubMed 23479668; PubMed 24394973; PubMed 25835811; PubMed 26018045; PubMed 22374134.